The following continues an entry in ClinVar:

NM_000023.4(SGCA):c.229C>T (p.Arg77Cys)

Gene: SGCA. ClinVar aggregate classification (germline): Pathogenic. Pathogenic (1).

Submissions 26 to 34 of 34:

Illumina Laboratory Services, Illumina
Classification: Pathogenic for Sarcoglycanopathies. Last evaluated: 2018-10-18. Review status: criteria provided, single submitter. Criteria: ICSL Variant Classification Criteria 09 May 2019. Collection method: clinical testing. Allele origin: germline. Not counted in ClinVar's aggregate classification.
Comment: Across a selection of the available literature, the SGCA c.229C>T (p.Arg77Cys) variant has been identified in a homozygous state in at least 28 probands and in a compound heterozygous state in at least eight probands with limb-girdle muscular dystrophy (Bueno et al. 1995; Carrie et al. 1997; Boito et al. 2005; Hackman et al. 2005; Teatreault et al. 2011; Fayssoil et al. 2016). The p.Arg77Cys variant was reported in two of 624 controls and is reported at a frequency of 0.001949 in the European (Finnish) population from the Genome Aggregation Database. Functional studies in human cell lines showed that the p.Arg77Cys variant protein does not localize to the cell membrane, results in impaired assembly of the sarcoglycan complex, and is retained in the endoplasmic reticulum (Bartoli et al. 2008; Gastaldello et al. 2008). Based on the collective evidence, the p.Arg77Cys variant is classified as pathogenic for alpha-sarcoglycanopathy. This variant was observed by ICSL as part of a predisposition screen in an ostensibly healthy population.

Center for Pediatric Genomic Medicine, Children's Mercy Hospital and Clinics
Classification: Pathogenic. Last evaluated: 2016-11-22. Review status: criteria provided, single submitter. Criteria: ACMG Guidelines, 2015. Collection method: clinical testing. Allele origin: germline. Not counted in ClinVar's aggregate classification.

Eurofins Ntd Llc (ga)
Classification: Pathogenic. Last evaluated: 2016-08-23. Review status: criteria provided, single submitter. Criteria: EGL Classification Definitions. Collection method: clinical testing. Allele origin: germline. Observed: 49 variant alleles, 35 heterozygotes, 14 homozygotes. Not counted in ClinVar's aggregate classification.

Knight Diagnostic Laboratories, Oregon Health and Sciences University
Classification: Pathogenic for Autosomal recessive limb-girdle muscular dystrophy type 2D. Last evaluated: 2016-01-27. Review status: criteria provided, single submitter. Criteria: ACMG Guidelines, 2015. Collection method: clinical testing. Allele origin: germline. Affected: no. Study: CSER-NextGen. Not counted in ClinVar's aggregate classification.
Comment: The c.229C>T (p.Arg77Cys) missense variant in the SGCA gene is the most common pathogenic variant reported in individuals affected with autosomal recessive Limb-girdle muscular dystrophy, type 2D (Piccolo et al., 1995; CarriÃ© et al., 1997; Hackman et al., 2005). This variant is located within a mutational hotspot with variants in exon 3 accounting for up to 46% of the affected alleles (CarriÃ© et al., 1997). This variant has been shown to co-segregate with disease in multiple families (Bueno et al., 1995; Kawai et al., 1995). Functional studies have shown this variant results in improper localization of the protein with its retention in the ER as opposed to the plasma membrane (Bartoli et al., 2008). The c.229C>T variant has been reported at low frequency in the control population databases (Exome Sequencing Project [ESP] = 0.081%, 1000 Genomes = 0.3%, and ExAC = 0.154%). Multiple in silico algorithms predict this variant to have a deleterious effect (GERP = 4.53; CADD = 26.5; PolyPhen = 1; SIFT = 0), and multiple reputable diagnostic laboratories report this variant as pathogenic. Therefore, this collective evidence supports the classification of the c.229C>T (p.Arg77Cys) as a recessive Pathogenic variant for Limb-girdle muscular dystrophy, type 2D.

Centre for Mendelian Genomics, University Medical Centre Ljubljana
Classification: Pathogenic for Autosomal recessive limb-girdle muscular dystrophy type 2D. Last evaluated: 2016-01-01. Review status: criteria provided, single submitter. Criteria: ACMG Guidelines, 2015. Collection method: clinical testing. Allele origin: unknown. Affected: yes. Not counted in ClinVar's aggregate classification.
Comment: This variant was classified as: Pathogenic. This variant was detected in homozygous state.

Broad Center for Mendelian Genomics, Broad Institute of MIT and Harvard
Classification: Pathogenic for Autosomal recessive limb-girdle muscular dystrophy type 2D. Review status: criteria provided, single submitter. Criteria: ACMG Guidelines, 2015. Collection method: research. Allele origin: germline. Inheritance: Autosomal recessive inheritance. Affected: yes. Observed: 1 variant allele, 1 homozygote. Study: Broad Institute Center for Mendelian Genomics (CMG). Not counted in ClinVar's aggregate classification.
Comment: The p.Arg77Cys variant is believed to be pathogenic based on numberous reports by other laboratories in the literature and databases.

OMIM
Classification: Pathogenic for MUSCULAR DYSTROPHY, LIMB-GIRDLE, AUTOSOMAL RECESSIVE 3. Last evaluated: 2008-05-01. Review status: no assertion criteria provided. Collection method: literature only. Allele origin: germline. Not counted in ClinVar's aggregate classification.

Joint Genome Diagnostic Labs from Nijmegen and Maastricht, Radboudumc and MUMC+
Classification: Pathogenic. Review status: no assertion criteria provided. Collection method: clinical testing. Allele origin: germline. Affected: yes. Study: VKGL Data-share Consensus. Not counted in ClinVar's aggregate classification.

Laboratory of Diagnostic Genome Analysis, Leiden University Medical Center (LUMC)
Classification: Pathogenic. Review status: no assertion criteria provided. Collection method: clinical testing. Allele origin: germline. Affected: yes. Study: VKGL Data-share Consensus. Not counted in ClinVar's aggregate classification.

Literature cited by the submitters: PubMed 7663524 (cited by 4 submitters); PubMed 9032047 (cited by 3 submitters); PubMed 9153448 (cited by 3 submitters); PubMed 9192266 (cited by 5 submitters); PubMed 15298081 (cited by 3 submitters); PubMed 18285821 (cited by 3 submitters); PubMed 18421900 (cited by 3 submitters); PubMed 21856579 (cited by 5 submitters); PubMed 25135358 (cited by 4 submitters); PubMed 16787395 (cited by 4 submitters); PubMed 18252745 (cited by 7 submitters); PubMed 22095924 (cited by 4 submitters); PubMed 12566530 (cited by Dasa and Women's Health and Genetics/Laboratory Corporation of America, LabCorp); PubMed 23989969 (cited by Dasa); PubMed 37628638 (cited by Dasa); PubMed 18535179 (cited by 4 submitters); PubMed 7657792 (cited by Athena Diagnostics and OMIM); PubMed 27120200 (cited by Athena Diagnostics and Illumina Laboratory Services, Illumina); PubMed 12746421 (cited by 3 submitters); PubMed 15736300 (cited by 4 submitters); PubMed 18996010 (cited by Athena Diagnostics and Myriad Genetics, Inc.); PubMed 8528203 (cited by 5 submitters); PubMed 8866424 (cited by Athena Diagnostics); PubMed 29351619 (cited by Women's Health and Genetics/Laboratory Corporation of America, LabCorp); PubMed 10385046 (cited by Women's Health and Genetics/Laboratory Corporation of America, LabCorp); Piccolo, F., Roberds, S. L., Jeanpierre, M., Leturcq, F., Azibi, K., Beldjord, C., Carrie, A., Recan, D., Chaouch, M., Reghis, A., El Kerch, F., Sefiani, A., Voit, T., Merlini, L., Collin, H., Eymard, B., Beckmann, J. S., Romero, N. B., Tome, F. M. S., Fardeau, M., Campbell, K. P., Kaplan, J.-C. Primary adhalinopathy: a common cause of autosomal recessive muscular dystrophy of variable severity. Nature Genet. 10: 243-245, 1995. Note: Erratum: Nature Genet. 11: 104 only, 1995. (cited by OMIM).